The following is an entry in ClinVar:

ClinVar aggregate classification (germline): Pathogenic/Likely pathogenic. Review status: criteria provided, multiple submitters, no conflicts (2 of 4 stars). 8 submissions from 8 submitters: Pathogenic (7); Likely pathogenic (1). Last evaluated 2026-01-19.

Conditions:
Usher syndrome type 1F (USH1F). Also called: USHER SYNDROME, TYPE IF. Identifiers: Orphanet 231169, Orphanet 886, MedGen C1865885, MONDO:0011186, OMIM 602083.
Autosomal recessive nonsyndromic hearing loss 23. Identifiers: Orphanet 90636, MedGen C1836027, MONDO:0012293, OMIM 609533.
Usher syndrome type 1D (USH1D). Also called: USHER SYNDROME, TYPE ID. Identifiers: Orphanet 231169, Orphanet 886, MedGen C1832845, MONDO:0010984, OMIM 601067.
PCDH15-related disorder. Also called: PCDH15-related disorders; PCDH15-related condition.

Allele frequency attached by ClinVar (database versions not stated): gnomAD exomes 0.00001; TOPMed 0.00001.

Submissions (8):

Labcorp Genetics (formerly Invitae), Labcorp
Classification: Pathogenic. Last evaluated: 2026-01-19. Review status: criteria provided, single submitter. Criteria: Invitae Variant Classification Sherloc (09022015). Collection method: clinical testing. Allele origin: germline.
Comment: This sequence change creates a premature translational stop signal (p.Tyr579*) in the PCDH15 gene. It is expected to result in an absent or disrupted protein product. Loss-of-function variants in PCDH15 are known to be pathogenic (PMID: 11398101, 11487575, 14570705). This variant is not present in population databases (gnomAD no frequency). This premature translational stop signal has been observed in individual(s) with Usher syndrome (PMID: 30459346). ClinVar contains an entry for this variant (Variation ID: 817007). For these reasons, this variant has been classified as Pathogenic.

Natera, Inc.
Classification: Pathogenic for Usher syndrome type 1F. Last evaluated: 2025-06-18. Review status: criteria provided, single submitter. Criteria: Natera Variant Classification Schema (03/2026). Collection method: clinical testing. Allele origin: germline.
Comment: The c.1736dupA variant in PCDH15 is a frameshift variant predicted to shift the reading frame and introduce a stop codon. This variant is expected to result in nonsense mediated decay, truncation, or a dysfunctional protein product. This variant is rare in the general population with a frequency below the threshold expected for the associated phenotype(s). This variant has been observed in one or more individuals affected with the associated recessive disease, as either homozygous or compound heterozygous with a second variant (PMID: 36011334). Given the available evidence, this variant is classified as Pathogenic.

Fulgent Genetics
Classification: Pathogenic for Usher syndrome type 1D; Usher syndrome type 1F; Autosomal recessive nonsyndromic hearing loss 23. Last evaluated: 2024-06-17. Review status: criteria provided, single submitter. Criteria: ACMG Guidelines, 2015. Collection method: clinical testing. Allele origin: germline.

Baylor Genetics
Classification: Likely pathogenic for Autosomal recessive nonsyndromic hearing loss 23. Last evaluated: 2023-10-12. Review status: criteria provided, single submitter. Criteria: ACMG Guidelines, 2015. Collection method: clinical testing. Allele origin: unknown.

GeneDx
Classification: Pathogenic. Last evaluated: 2022-12-28. Review status: criteria provided, single submitter. Criteria: GeneDx Variant Classification Process June 2021. Collection method: clinical testing. Allele origin: germline. Affected: yes.
Comment: Nonsense variant predicted to result in protein truncation or nonsense mediated decay in a gene for which loss of function is a known mechanism of disease; Not observed at significant frequency in large population cohorts (gnomAD); Has not been previously published as pathogenic or benign to our knowledge

CeGaT Center for Human Genetics Tuebingen
Classification: Pathogenic. Last evaluated: 2022-11-01. Review status: criteria provided, single submitter. Criteria: CeGaT Center For Human Genetics Tuebingen Variant Classification Criteria Version 2. Collection method: clinical testing. Allele origin: germline. Affected: yes. Observed: 1 variant allele.
Comment: PCDH15: PVS1, PS1, PM2, PM3

Blueprint Genetics
Classification: Pathogenic for PCDH15-related disorders. Last evaluated: 2021-10-25. Review status: criteria provided, single submitter. Criteria: ACMG Guidelines, 2015. Collection method: clinical testing. Allele origin: germline. Affected: yes. Observed: 1 variant allele.

Clinical Genetics Service, Universitary Hospital 12 de Octubre
Classification: Pathogenic for Autosomal recessive nonsyndromic hearing loss 23. Review status: criteria provided, single submitter. Criteria: ACMG Guidelines, 2015. Collection method: clinical testing. Allele origin: germline. Affected: yes.

Literature cited by the submitters: PubMed 11398101 (cited by Labcorp Genetics (formerly Invitae), Labcorp); PubMed 11487575 (cited by Labcorp Genetics (formerly Invitae), Labcorp); PubMed 14570705 (cited by Labcorp Genetics (formerly Invitae), Labcorp); PubMed 30459346 (cited by Labcorp Genetics (formerly Invitae), Labcorp); PubMed 36011334 (cited by Natera, Inc.).

NM_001384140.1(PCDH15):c.1736dup (p.Tyr579Ter)

Gene: PCDH15 (protocadherin related 15; minus strand). Cytogenetic location: 10q21.1.
Variant type: Duplication.
Coding change: c.1736dup on transcript NM_001384140.1 (MANE Select); coding-DNA position 1736, one base duplicated (A; older notation c.1736dupA).
Protein change: p.Tyr579Ter; replaces tyrosine 579 with a stop codon.
Molecular consequence: nonsense. On other transcripts: frameshift variant (1).
Genome position (GRCh38, 1-based): chr10:54,153,148, T duplicated on the plus strand (A on the coding strand, the reverse complement: PCDH15 is on the minus strand). VCF-style (leftmost placement, unchanged base first): chr10-54153147-G-GT. GRCh37 (hg19) VCF-style: chr10-55912907-G-GT.
Other names: c.1736dupA (NM_033056.3); c.1751dup, p.Tyr584Ter (NM_001142763.2, NM_001142771.2); c.1736dup, p.Tyr579Ter (NM_001142764.2, NM_001142765.2, NM_001142766.2 and 6 more transcripts); c.1625dup, p.Tyr542Ter (NM_001142767.2); c.1670dup, p.Tyr557Ter (NM_001142768.2, NM_001142773.2, NM_001354404.2); c.1772dup, p.Tyr591Terfs (NM_001142769.4); c.1757dup, p.Tyr586Ter (NM_001354411.2); c.1751dupA (NM_001142763.1); short protein forms Y591*, Y542*, Y557*, Y579*, Y584*, Y586*.
Identifiers: ClinVar variation 817007 (VCV000817007.40), dbSNP rs1264383341, ClinGen allele CA666512687.
Genomic context (GRCh38, chr10:54,153,147, plus strand): 5'-TAATATAAATTACCTTCGCTCTGCAGGAGGAGCATTATCCGCTGCTTGGACCGTGAGTGC[G>GT]TAAGTCCGCCCGACTATCATTTCCACCCCTGGAGCGATGGTGATAAGCCCTGTTGTTTTA-3'